The following is an entry in ClinVar:

ClinVar aggregate classification (germline): Uncertain significance (1 of 4 stars; one submission).

Conditions:
Osteogenesis imperfecta type 7 (OI7). Also called: OI type 7; OI type VII; OSTEOGENESIS IMPERFECTA, TYPE IIB; Osteogenesis imperfecta type 2B; OI type 2B; Osteogenesis imperfecta, perinatal lethal autosomal recessive. Identifiers: MedGen C1853162, MONDO:0012536, OMIM 610682.

Allele frequency attached by ClinVar (database versions not stated): gnomAD exomes below 0.00001; ExAC 0.00001; TOPMed 0.00003.
gnomAD v4.1: 3 of 1,613,968 alleles (0.00019%); highest among the groups gnomAD compares: African/African-American, 0.0027%; no homozygotes.

Submission:

Labcorp Genetics (formerly Invitae), Labcorp
Classification: Uncertain significance for Osteogenesis imperfecta type 7. Last evaluated: 2022-04-25. Review status: criteria provided, single submitter. Criteria: Invitae Variant Classification Sherloc (09022015). Collection method: clinical testing. Allele origin: germline.
Comment: This sequence change replaces lysine, which is basic and polar, with glutamine, which is neutral and polar, at codon 182 of the CRTAP protein (p.Lys182Gln). This variant is present in population databases (rs761859224, gnomAD 0.01%). This variant has not been reported in the literature in individuals affected with CRTAP-related conditions. Algorithms developed to predict the effect of missense changes on protein structure and function output the following: SIFT: "Tolerated"; PolyPhen-2: "Benign"; Align-GVGD: "Class C0". The glutamine amino acid residue is found in multiple mammalian species, which suggests that this missense change does not adversely affect protein function. In summary, the available evidence is currently insufficient to determine the role of this variant in disease. Therefore, it has been classified as a Variant of Uncertain Significance.

NM_006371.5(CRTAP):c.544A>C (p.Lys182Gln)

Gene: CRTAP (cartilage associated protein; plus strand). Cytogenetic location: 3p22.3.
Variant type: single nucleotide variant.
Coding change: c.544A>C on transcript NM_006371.5 (MANE Select); coding-DNA position 544, A replaced by C.
Protein change: p.Lys182Gln; replaces lysine 182 with glutamine.
Molecular consequence: missense variant. On other transcripts: intron variant (1).
Genome position (GRCh38, 1-based): chr3:33,120,416, A>C. VCF-style: chr3-33120416-A-C. GRCh37 (hg19) VCF-style: chr3-33161908-A-C.
Other names: c.544A>C, p.Lys182Gln (NM_001393363.1, NM_001393364.1); c.472-3992A>C (NM_001393365.1); short protein forms K182Q.
Identifiers: ClinVar variation 2162913 (VCV002162913.1), dbSNP rs761859224, ClinGen allele CA2300309.